The following is an entry in ClinVar:

NM_001298.3(CNGA3):c.1705C>G (p.Arg569Gly)

Gene: CNGA3 (cyclic nucleotide gated channel subunit alpha 3; plus strand). Cytogenetic location: 2q11.2.
Variant type: single nucleotide variant.
Coding change: c.1705C>G on transcript NM_001298.3 (MANE Select); coding-DNA position 1705, C replaced by G.
Protein change: p.Arg569Gly; replaces arginine 569 with glycine.
Molecular consequence: missense variant.
Genome position (GRCh38, 1-based): chr2:98,396,875, C>G. VCF-style: chr2-98396875-C-G. GRCh37 (hg19) VCF-style: chr2-99013338-C-G.
Other names: c.1651C>G, p.Arg551Gly (NM_001079878.2); short protein forms R569G, R551G.
Identifiers: ClinVar variation 3688465 (VCV003688465.2).

ClinVar aggregate classification (germline): Pathogenic (1 of 4 stars; one submission).

Submission:

Labcorp Genetics (formerly Invitae), Labcorp
Classification: Pathogenic. Last evaluated: 2024-12-06. Review status: criteria provided, single submitter. Criteria: Invitae Variant Classification Sherloc (09022015). Collection method: clinical testing. Allele origin: germline.
Comment: This sequence change replaces arginine, which is basic and polar, with glycine, which is neutral and non-polar, at codon 569 of the CNGA3 protein (p.Arg569Gly). This variant is not present in population databases (gnomAD no frequency). This missense change has been observed in individual(s) with achromatopsia (internal data). In at least one individual the data is consistent with being in trans (on the opposite chromosome) from a pathogenic variant. Invitae Evidence Modeling of protein sequence and biophysical properties (such as structural, functional, and spatial information, amino acid conservation, physicochemical variation, residue mobility, and thermodynamic stability) indicates that this missense variant is expected to disrupt CNGA3 protein function with a positive predictive value of 95%. This variant disrupts the p.Arg569 amino acid residue in CNGA3. Other variant(s) that disrupt this residue have been determined to be pathogenic (PMID: 11536077, 24148654, 26493561, 30337596). This suggests that this residue is clinically significant, and that variants that disrupt this residue are likely to be disease-causing. For these reasons, this variant has been classified as Pathogenic.

Literature cited by the submitters: PubMed 11536077; PubMed 24148654; PubMed 26493561; PubMed 30337596.